The following is an entry in ClinVar:

ClinVar aggregate classification (germline): Uncertain significance. Review status: criteria provided, multiple submitters, no conflicts (2 of 4 stars). 2 submissions from 2 submitters: Uncertain significance (2). Last evaluated 2026-06-04.

Conditions:
MED13-related disorder. Also called: MED13-related condition.

gnomAD v4.1: 4 of 1,614,136 alleles (0.00025%); highest among the groups gnomAD compares: East Asian, 0.0067%; no homozygotes.

Submissions (2):

PreventionGenetics, part of Exact Sciences
Classification: Uncertain significance for MED13-related condition. Last evaluated: 2026-06-04. Review status: criteria provided, single submitter. Criteria: ACMG Guidelines, 2015. Collection method: clinical testing. Allele origin: germline.
Comment: The MED13 c.4966A>G variant is predicted to result in the amino acid substitution p.Thr1656Ala. To our knowledge, this variant has not been reported in the literature or in a large population database (gnomAD), indicating this variant is rare. At this time, the clinical significance of this variant is uncertain due to the absence of conclusive functional and genetic evidence.

Blueprint Genetics
Classification: Uncertain significance. Last evaluated: 2020-06-26. Review status: criteria provided, single submitter. Criteria: ACMG Guidelines, 2015. Collection method: clinical testing. Allele origin: germline.

NM_005121.3(MED13):c.4966A>G (p.Thr1656Ala)

Gene: MED13 (mediator complex subunit 13; minus strand). Cytogenetic location: 17q23.2.
Variant type: single nucleotide variant.
Coding change: c.4966A>G on transcript NM_005121.3 (MANE Select); coding-DNA position 4966, A replaced by G.
Protein change: p.Thr1656Ala; replaces threonine 1656 with alanine.
Molecular consequence: missense variant.
Genome position (GRCh38, 1-based): chr17:61,962,850, T>C on the plus strand (A>G on the coding strand, the complement: MED13 is on the minus strand). VCF-style: chr17-61962850-T-C. GRCh37 (hg19) VCF-style: chr17-60040211-T-C.
Other names: c.4966A>G (NM_005121.2); short protein forms T1656A.
Identifiers: ClinVar variation 4936409 (VCV004936409.2).
Genomic context (GRCh38, chr17:61,962,850, plus strand): 5'-TCTGGACCATTTCTAGAAAGCATCGAAGTAGCCCCAATGTCCACACACTAGAAGAGTTAG[T>C]GCTCTCGTCTGTATTTTCGTATGTAAAAGGATCAATTATATAAACAACAATTGCAGGTGG-3'
Protein context (NP_005112.2, residues 1646-1666): PFTYENTDES[Thr1656Ala]NSSSVWTLGL